The following is an entry in ClinVar:

NM_000133.4(F9):c.1029C>T (p.Asn343=)

Gene: F9 (coagulation factor IX; plus strand). Cytogenetic location: Xq27.1.
Variant type: single nucleotide variant.
Coding change: c.1029C>T on transcript NM_000133.4 (MANE Select); coding-DNA position 1029, C replaced by T.
Protein change: p.Asn343=; no amino-acid change (asparagine 343 retained).
Molecular consequence: synonymous variant.
Genome position (GRCh38, 1-based): chrX:139,561,714, C>T. VCF-style: chrX-139561714-C-T. GRCh37 (hg19) VCF-style: chrX-138643873-C-T.
Other names: c.915C>T, p.Asn305= (NM_001313913.2).
Identifiers: ClinVar variation 700040 (VCV000700040.14), dbSNP rs145026483, ClinGen allele CA10529863.
Genomic context (GRCh38, chrX:139,561,714, plus strand): 5'-ACCCTTAGTGCTAAACAGCTACGTTACACCTATTTGCATTGCTGACAAGGAATACACGAA[C>T]ATCTTCCTCAAATTTGGATCTGGCTATGTAAGTGGCTGGGGAAGAGTCTTCCACAAAGGG-3'
Protein context (NP_000124.1, residues 333-353): PICIADKEYT[Asn343=]IFLKFGSGYV

ClinVar aggregate classification (germline): Likely benign. Review status: criteria provided, multiple submitters, no conflicts (2 of 4 stars). 4 submissions from 4 submitters: Likely benign (2). 2 of the submissions do not count toward it. Last evaluated 2025-12-14.

Conditions:
F9-related disorder. Also called: F9-related condition.
Hereditary factor IX deficiency disease (HEMB). Also called: F9 DEFICIENCY; FACTOR IX DEFICIENCY; PLASMA THROMBOPLASTIN COMPONENT DEFICIENCY; Hemophilia B; Christmas Disease. Identifiers: Orphanet 98879, MedGen C0008533, MeSH D002836, MONDO:0010604, OMIM 306900.
Thrombophilia, X-linked, due to factor 9 defect. Identifiers: MedGen C2749016, MONDO:0010432, OMIM 300807.

Allele frequency attached by ClinVar (database versions not stated): TOPMed 0.00018; ESP Exome Variant Server 0.00038; ExAC 0.00003; gnomAD exomes 0.00010 and 0.00016; gnomAD 0.00017 and 0.00018.
gnomAD v4.1: 201 of 1,210,304 alleles (0.017%); highest among the groups gnomAD compares: Middle Eastern, 0.069%; no homozygotes.

Submissions (4):

Labcorp Genetics (formerly Invitae), Labcorp
Classification: Likely benign for Thrombophilia, X-linked, due to factor 9 defect; Hereditary factor IX deficiency disease. Last evaluated: 2025-12-14. Review status: criteria provided, single submitter. Criteria: Invitae Variant Classification Sherloc (09022015). Collection method: clinical testing. Allele origin: germline.

Blueprint Genetics
Classification: Likely benign. Last evaluated: 2024-11-13. Review status: criteria provided, single submitter. Criteria: ACMG Guidelines, 2015. Collection method: clinical testing. Allele origin: germline.

Natera, Inc.
Classification: Likely benign for Hemophilia B. Last evaluated: 2020-09-16. Review status: no assertion criteria provided. Collection method: clinical testing. Allele origin: germline. Not counted in ClinVar's aggregate classification.

PreventionGenetics, part of Exact Sciences
Classification: Likely benign for F9-related condition. Last evaluated: 2019-07-15. Review status: no assertion criteria provided. Collection method: clinical testing. Allele origin: germline. Not counted in ClinVar's aggregate classification.
Comment: This variant is classified as likely benign based on ACMG/AMP sequence variant interpretation guidelines (Richards et al. 2015 PMID: 25741868, with internal and published modifications).